The following is an entry in ClinVar:

ClinVar aggregate classification (germline): Pathogenic/Likely pathogenic. Review status: criteria provided, multiple submitters, no conflicts (2 of 4 stars). 8 submissions from 8 submitters: Pathogenic (4); Likely pathogenic (2). 2 of the submissions do not count toward it. Last evaluated 2026-09-15.

Conditions:
Noonan syndrome 9 (NS9). Identifiers: Orphanet 648, MedGen C4225282, MONDO:0014691, OMIM 616559.
Noonan syndrome (NS). Also called: Noonan's syndrome. Identifiers: Orphanet 648, MedGen C0028326, MeSH D009634, MONDO:0018997. Disease mechanism: gain of function.
RASopathy. Also called: rasopathies; Noonan spectrum disorder. Identifiers: Orphanet 536391, MedGen C5555857, MONDO:0021060.

Submissions (8):

GeneDx
Classification: Pathogenic. Last evaluated: 2026-09-15. Review status: criteria provided, single submitter. Criteria: GeneDx Variant Classification Process June 2021. Collection method: clinical testing. Allele origin: germline.
Comment: Published functional studies demonstrate increased constitutive and inducible activation of ERK/MEK and RAS (PMID: 26173643); In silico analysis, which includes protein predictors and evolutionary conservation, supports that this variant does not alter protein structure/function; Not observed at significant frequency in large population cohorts (gnomAD); This variant is associated with the following publications: (PMID: 36578016, 27942422, 36243179, 32788663, 35813072, 26173643)

Labcorp Genetics (formerly Invitae), Labcorp
Classification: Pathogenic for Noonan syndrome 9. Last evaluated: 2024-12-19. Review status: criteria provided, single submitter. Criteria: Invitae Variant Classification Sherloc (09022015). Collection method: clinical testing. Allele origin: germline.
Comment: This sequence change replaces threonine, which is neutral and polar, with lysine, which is basic and polar, at codon 264 of the SOS2 protein (p.Thr264Lys). This variant is not present in population databases (gnomAD no frequency). This missense change has been observed in individual(s) with Noonan syndrome (PMID: 26173643, 32788663). In at least one individual the variant was observed to be de novo. ClinVar contains an entry for this variant (Variation ID: 684626). Invitae Evidence Modeling of protein sequence and biophysical properties (such as structural, functional, and spatial information, amino acid conservation, physicochemical variation, residue mobility, and thermodynamic stability) indicates that this missense variant is not expected to disrupt SOS2 protein function with a negative predictive value of 95%. Experimental studies have shown that this missense change affects SOS2 function (PMID: 26173643). For these reasons, this variant has been classified as Pathogenic.

Center for Genomics, Ann and Robert H. Lurie Children's Hospital of Chicago
Classification: Pathogenic for Noonan syndrome 9. Last evaluated: 2022-12-29. Review status: criteria provided, single submitter. Criteria: ACMG Guidelines, 2015. Collection method: clinical testing. Allele origin: germline.
Comment: This variant has been reported in the literature as de novo in at least 2 individuals with clinical suspicion or diagnoses of Noonan syndrome (Cordeddu 2015 PMID: 26173643; Lissewski 2021 PMID: 32788663); multiple laboratories in ClinVar have also reportedly identified it as de novo in affected individuals (Variation ID: 684626). This variant is not present in gnomAD. An in vitro functional study demonstrated that this variant results in both higher levels of GTP-bound Ras protein as well as increased signaling of the Ras/MAPK pathway; these findings are consistent with the gain-of-function mechanism associated with the SOS2 gene and Noonan syndrome (Cordeddu 2015 PMID: 26173643; Tidyman 2016 PMID: 27942422). Another variant at this amino acid position (p.Thr264Arg) is pathogenic, and the p.Thr264 residue has been referred to as a mutational "hotspot" (Lissewski 2021 PMID: 32788663). Additionally, the same variant at the corresponding amino acid position in the highly homologous SOS1 gene (p.Thr266Lys) is a well-established pathogenic variant, suggesting that this variant in the SOS2 gene may be similarly deleterious (Roberts 2007 PMID: 17143285; Lissewski 2021 PMID: 32788663). Finally, evolutionary conservation and computational prediction tools support that this variant likely impacts the protein. In summary, this variant is classified as pathogenic.

Women's Health and Genetics/Laboratory Corporation of America, LabCorp
Classification: Likely pathogenic for Rasopathy. Last evaluated: 2020-11-23. Review status: criteria provided, single submitter. Criteria: LabCorp Variant Classification Summary - May 2015. Collection method: clinical testing. Allele origin: germline.
Comment: Variant summary: SOS2 c.791C>A (p.Thr264Lys) results in a non-conservative amino acid change located in the Ras guanine-nucleotide exchange factors catalytic domain (IPR001895) of the encoded protein sequence. Five of five in-silico tools predict a damaging effect of the variant on protein function. The variant was absent in 251280 control chromosomes (gnomAD). c.791C>A has been reported in the literature in individuals affected with Noonan Syndrome (Cordeddu_2015, Lissewski_2020). These data indicate that the variant may be associated with disease. Variant was functionally assessed in vitro using HEK293 cells and resulted in higher levels of GTP-bound RAS and increased signaling of Ras/MAPK pathway consistent with the known molecular mechanism of disease (Cordeddu_2015, Tidyman_2016). Two ClinVar submitters (evaluation after 2014) cite the variant as likely pathogenic/pathogenic. Based on the evidence outlined above, the variant was classified as likely pathogenic.

Department of Human Genetics, University Hospital Magdeburg
Classification: Pathogenic for Noonan syndrome 9. Last evaluated: 2020-07-02. Review status: criteria provided, single submitter. Criteria: ClinGen's RASopathy Expert Panel Guidelines, 2018. Collection method: clinical testing. Allele origin: de novo. Inheritance: Autosomal dominant inheritance. Affected: yes. Observed: 1 variant allele.
Comment: This variant has been previously reported as pathogenic (PS1). It is absent from gnomAD (PM2). The variant is assumed to be de novo, but without confirmation of paternity and maternity (PM6). The REVEL Score of this variant is 0.713 (PP3) and the variant has been cllassified as likely pathogenic in ClinVar (PP5).

Genome-Nilou Lab
Classification: Likely pathogenic for Noonan syndrome 9. Review status: criteria provided, single submitter. Criteria: ACMG Guidelines, 2015. Collection method: clinical testing. Allele origin: germline.

Yale Center for Mendelian Genomics, Yale University
Classification: Likely pathogenic for Noonan syndrome. Last evaluated: 2015-08-03. Review status: no assertion criteria provided. Collection method: literature only. Allele origin: de novo. Affected: yes. Observed: 1 heterozygote. Not counted in ClinVar's aggregate classification.

Service de Génétique Moléculaire, Hôpital Robert Debré
Classification: Pathogenic for Noonan syndrome. Review status: no assertion criteria provided. Collection method: clinical testing. Allele origin: de novo. Affected: yes. Not counted in ClinVar's aggregate classification.

Literature cited by the submitters: PubMed 26173643 (cited by 4 submitters); PubMed 32788663 (cited by Labcorp Genetics (formerly Invitae), Labcorp and Women's Health and Genetics/Laboratory Corporation of America, LabCorp); PubMed 27942422 (cited by Women's Health and Genetics/Laboratory Corporation of America, LabCorp).

NM_006939.4(SOS2):c.791C>A (p.Thr264Lys)

Gene: SOS2 (SOS Ras/Rho guanine nucleotide exchange factor 2; minus strand). Cytogenetic location: 14q21.3.
Variant type: single nucleotide variant.
Coding change: c.791C>A on transcript NM_006939.4 (MANE Select); coding-DNA position 791, C replaced by A.
Protein change: p.Thr264Lys; replaces threonine 264 with lysine.
Molecular consequence: missense variant.
Genome position (GRCh38, 1-based): chr14:50,182,530, G>T on the plus strand (C>A on the coding strand, the complement: SOS2 is on the minus strand). VCF-style: chr14-50182530-G-T. GRCh37 (hg19) VCF-style: chr14-50649248-G-T.
Other names: short protein forms T264K.
Identifiers: ClinVar variation 684626 (VCV000684626.11), dbSNP rs1595001710, ClinGen allele CA16021006.